The following is an entry in ClinVar:

NM_002816.5(PSMD12):c.1351A>G (p.Met451Val)

Gene: PSMD12 (proteasome 26S subunit, non-ATPase 12; minus strand). Cytogenetic location: 17q24.2.
Variant type: single nucleotide variant.
Coding change: c.1351A>G on transcript NM_002816.5 (MANE Select); coding-DNA position 1351, A replaced by G.
Protein change: p.Met451Val; replaces methionine 451 with valine.
Molecular consequence: missense variant.
Genome position (GRCh38, 1-based): chr17:67,340,863, T>C on the plus strand (A>G on the coding strand, the complement: PSMD12 is on the minus strand). VCF-style: chr17-67340863-T-C. GRCh37 (hg19) VCF-style: chr17-65336979-T-C.
Other names: c.1174A>G, p.Met392Val (NM_001316341.2); c.1291A>G, p.Met431Val (NM_174871.4); short protein forms M392V, M431V, M451V.
Identifiers: ClinVar variation 4883302 (VCV004883302.2).
Genomic context (GRCh38, chr17:67,340,863, plus strand): 5'-TGACTTCCAATTTTAACTTTTTTCTAAAGCACTAAGACCCTTATTGTAGATTATGTATCA[T>C]CTCCTCTTTGGCTATGAGATGCGTAGTTTTGTTAACCAGAGACATTAATGAGTTCAGTTT-3'
Protein context (NP_002807.1, residues 441-456): KTTHLIAKEE[Met451Val]IHNLQ

ClinVar aggregate classification (germline): Uncertain significance (1 of 4 stars; one submission).

Conditions:
Stankiewicz-Isidor syndrome (STISS). Identifiers: MedGen C4479599, MONDO:0054591, OMIM 617516.

gnomAD v4.1: 1 of 1,582,718 alleles (0.000063%); highest among the groups gnomAD compares: Non-Finnish European, 0.000085%; no homozygotes.

Submission:

Dasa
Classification: Uncertain significance for Stankiewicz-Isidor syndrome. Last evaluated: 2025-03-26. Review status: criteria provided, single submitter. Criteria: DASA Assertion Criteria. Collection method: clinical testing. Allele origin: germline.
Comment: NM_002816.5(PSMD12):c.1351A>G (p.Met451Val) is a missense variant that results in the substitution of methionine with valine. This variant is rare in population databases. The currently available literature and clinical evidence are not sufficient to establish a definitive association between this variant and the reported condition. Therefore, this variant is classified as a variant of uncertain significance.